The following is an entry in ClinVar:

ClinVar aggregate classification (germline): Uncertain significance. Review status: criteria provided, multiple submitters, no conflicts (2 of 4 stars). 2 submissions from 2 submitters: Uncertain significance (2). Last evaluated 2025-09-01.

Conditions:
Inborn genetic diseases. Identifiers: MedGen C0950123, MeSH D030342.

Allele frequency attached by ClinVar (database versions not stated): TOPMed 0.00003; gnomAD exomes 0.00004; ExAC 0.00007.

Submissions (2):

Labcorp Genetics (formerly Invitae), Labcorp
Classification: Uncertain significance. Last evaluated: 2025-09-01. Review status: criteria provided, single submitter. Criteria: Invitae Variant Classification Sherloc (09022015). Collection method: clinical testing. Allele origin: germline.
Comment: This sequence change replaces alanine, which is neutral and non-polar, with valine, which is neutral and non-polar, at codon 485 of the NSUN2 protein (p.Ala485Val). This variant is present in population databases (rs755089630, gnomAD 0.06%). This variant has not been reported in the literature in individuals affected with NSUN2-related conditions. ClinVar contains an entry for this variant (Variation ID: 1915102). An algorithm developed to predict the effect of missense changes on protein structure and function outputs the following: PolyPhen-2: "Benign". The valine amino acid residue is found in multiple mammalian species, which suggests that this missense change does not adversely affect protein function. In summary, the available evidence is currently insufficient to determine the role of this variant in disease. Therefore, it has been classified as a Variant of Uncertain Significance.

Ambry Genetics
Classification: Uncertain significance for Inborn genetic diseases. Last evaluated: 2025-06-29. Review status: criteria provided, single submitter. Criteria: Ambry Variant Classification Scheme 2023. Collection method: clinical testing. Allele origin: germline.

NM_017755.6(NSUN2):c.1454C>T (p.Ala485Val)

Gene: NSUN2 (NOP2/Sun RNA methyltransferase 2; minus strand). Cytogenetic location: 5p15.31.
Variant type: single nucleotide variant.
Coding change: c.1454C>T on transcript NM_017755.6 (MANE Select); coding-DNA position 1454, C replaced by T.
Protein change: p.Ala485Val; replaces alanine 485 with valine.
Molecular consequence: missense variant. On other transcripts: non-coding transcript variant (1).
Genome position (GRCh38, 1-based): chr5:6,607,254, G>A on the plus strand (C>T on the coding strand, the complement: NSUN2 is on the minus strand). VCF-style: chr5-6607254-G-A. GRCh37 (hg19) VCF-style: chr5-6607367-G-A.
Other names: c.1349C>T, p.Ala450Val (NM_001193455.2); c.1454C>T (NM_017755.5); short protein forms A485V, A450V.
Identifiers: ClinVar variation 1915102 (VCV001915102.4), dbSNP rs755089630, ClinGen allele CA3192435.
Genomic context (GRCh38, chr5:6,607,254, plus strand): 5'-TCTTACCCACACACGCCATCTTTCTTACTGCCATTATTCTCTAAATCCTCAGTTGCATGA[G>A]CTATTTCTGTGTCACCAGTTCCTGTGAATGACGGACTTTCCAGCTTAGAGGGATCTGTGG-3'
Protein context (NP_060225.4, residues 475-495): SFTGTGDTEI[Ala485Val]HATEDLENNG